The following is an entry in ClinVar:

NM_022841.7(RFX7):c.812-39A>T

Gene: RFX7 (regulatory factor X7; minus strand). Cytogenetic location: 15q21.3.
Variant type: single nucleotide variant.
Coding change: c.812-39A>T on transcript NM_022841.7 (MANE Select); 39 bases into the intron before coding-DNA position 812, A replaced by T.
Molecular consequence: intron variant.
Genome position (GRCh38, 1-based): chr15:56,098,415, T>A on the plus strand (A>T on the coding strand, the complement: RFX7 is on the minus strand). VCF-style: chr15-56098415-T-A. GRCh37 (hg19) VCF-style: chr15-56390613-T-A.
Other names: c.812-39A>T (NM_001370561.1); c.521-39A>T (NM_001368073.2, NM_001370554.1, NM_001368074.1).
Identifiers: ClinVar variation 3775696 (VCV003775696.1).

ClinVar aggregate classification (germline): Uncertain significance (1 of 4 stars; one submission).

Conditions:
Intellectual developmental disorder, autosomal dominant 71, with behavioral abnormalities (MRD71). Identifiers: MedGen C5830437, MONDO:0957228, OMIM 620330.

Submission:

3billion
Classification: Uncertain significance for Intellectual developmental disorder, autosomal dominant 71, with behavioral abnormalities. Last evaluated: 2023-12-19. Review status: criteria provided, single submitter. Criteria: ACMG Guidelines, 2015. Collection method: clinical testing. Allele origin: germline. Affected: yes.
Comment: The variant is not observed in the gnomAD v2.1.1 dataset. Predicted Consequence/Location: Intron variant In silico tools predict the variant to alter splicing and produce an abnormal transcript [SpliceAI: 0.60 (>=0.2, moderate evidence for spliceogenicity)]. Therefore, this variant is classified as VUS according to the recommendation of ACMG/AMP guideline.